The following is an entry in ClinVar:

ClinVar aggregate classification (germline): Uncertain significance. Review status: criteria provided, multiple submitters, no conflicts (2 of 4 stars). 2 submissions from 2 submitters: Uncertain significance (2). Last evaluated 2025-09-29.

Allele frequency attached by ClinVar (database versions not stated): gnomAD exomes 0.00003; TOPMed 0.00003; gnomAD 0.00005; ESP Exome Variant Server 0.00008.
gnomAD v4.1: 50 of 1,594,846 alleles (0.0031%); highest among the groups gnomAD compares: Non-Finnish European, 0.0042%; no homozygotes.

Submissions (2):

Ambry Genetics
Classification: Uncertain significance. Last evaluated: 2025-09-29. Review status: criteria provided, single submitter. Criteria: Ambry Variant Classification Scheme 2023. Collection method: clinical testing. Allele origin: germline.

Labcorp Genetics (formerly Invitae), Labcorp
Classification: Uncertain significance. Last evaluated: 2024-11-24. Review status: criteria provided, single submitter. Criteria: Invitae Variant Classification Sherloc (09022015). Collection method: clinical testing. Allele origin: germline.
Comment: This sequence change replaces arginine, which is basic and polar, with serine, which is neutral and polar, at codon 28 of the TRIP13 protein (p.Arg28Ser). The frequency data for this variant in the population databases is considered unreliable, as metrics indicate poor data quality at this position in the gnomAD database. This variant has not been reported in the literature in individuals affected with TRIP13-related conditions. ClinVar contains an entry for this variant (Variation ID: 2619857). An algorithm developed to predict the effect of missense changes on protein structure and function (PolyPhen-2) suggests that this variant is likely to be tolerated. In summary, the available evidence is currently insufficient to determine the role of this variant in disease. Therefore, it has been classified as a Variant of Uncertain Significance.

NM_004237.4(TRIP13):c.82C>A (p.Arg28Ser)

Gene: TRIP13 (thyroid hormone receptor interactor 13; plus strand). Cytogenetic location: 5p15.33.
Variant type: single nucleotide variant.
Coding change: c.82C>A on transcript NM_004237.4 (MANE Select); coding-DNA position 82, C replaced by A.
Protein change: p.Arg28Ser; replaces arginine 28 with serine.
Molecular consequence: missense variant.
Genome position (GRCh38, 1-based): chr5:893,080, C>A. VCF-style: chr5-893080-C-A. GRCh37 (hg19) VCF-style: chr5-893195-C-A.
Other names: c.82C>A, p.Arg28Ser (NM_001166260.2); short protein forms R28S.
Identifiers: ClinVar variation 2619857 (VCV002619857.6), dbSNP rs369670075, ClinGen allele CA3179728.